The following is an entry in ClinVar:

NM_002227.4(JAK1):c.546A>G (p.Gly182=)

Gene: JAK1 (Janus kinase 1; minus strand). Cytogenetic location: 1p31.3.
Variant type: single nucleotide variant.
Coding change: c.546A>G on transcript NM_002227.4 (MANE Select); coding-DNA position 546, A replaced by G.
Protein change: p.Gly182=; no amino-acid change (glycine 182 retained).
Molecular consequence: synonymous variant.
Genome position (GRCh38, 1-based): chr1:64,869,412, T>C on the plus strand (A>G on the coding strand, the complement: JAK1 is on the minus strand). VCF-style: chr1-64869412-T-C. GRCh37 (hg19) VCF-style: chr1-65335095-T-C.
Other names: p.Gly182=; c.546A>G, p.Gly182= (NM_001320923.2, NM_001321852.2, NM_001321853.2 and 4 more transcripts); c.546A>G (NM_002227.3).
Identifiers: ClinVar variation 1166650 (VCV001166650.15), dbSNP rs11585932, ClinGen allele CA893133.

ClinVar aggregate classification (germline): Benign/Likely benign. Review status: criteria provided, multiple submitters, no conflicts (2 of 4 stars). 6 submissions from 6 submitters: Benign (4); Likely benign (1). 1 of the submissions does not count toward it. Last evaluated 2026-02-04.

Conditions:
JAK1-related disorder. Also called: JAK1-related condition.

Allele frequency attached by ClinVar (database versions not stated): 1000 Genomes Project 0.03514; 1000 Genomes Project 30x 0.03576; ESP Exome Variant Server 0.04460; gnomAD 0.05248 and 0.05267; TOPMed 0.05734; ExAC 0.05974; gnomAD exomes 0.06439 and 0.06499.
gnomAD v4.1: 101,533 of 1,613,568 alleles (6.3%); highest among the groups gnomAD compares: Admixed American, 16%; 3,976 homozygotes.

Submissions (6):

Labcorp Genetics (formerly Invitae), Labcorp
Classification: Benign. Last evaluated: 2026-02-04. Review status: criteria provided, single submitter. Criteria: Invitae Variant Classification Sherloc (09022015). Collection method: clinical testing. Allele origin: germline.

Blueprint Genetics
Classification: Likely benign. Last evaluated: 2024-11-26. Review status: criteria provided, single submitter. Criteria: ACMG Guidelines, 2015. Collection method: clinical testing. Allele origin: germline.

Unidad de Genómica Garrahan, Hospital de Pediatría Garrahan
Classification: Benign. Last evaluated: 2023-11-12. Review status: criteria provided, single submitter. Criteria: ACMG Guidelines, 2015. Collection method: clinical testing. Allele origin: germline. Affected: no. Observed: 26 variant alleles.
Comment: This variant is classified as Benign based on local population frequency. This variant was detected in 27% of patients studied by a panel of primary immunodeficiencies. Number of patients: 26. Only high quality variants are reported.

Mayo Clinic Laboratories, Mayo Clinic
Classification: Benign. Last evaluated: 2023-04-16. Review status: criteria provided, single submitter. Criteria: ACMG Guidelines, 2015. Collection method: clinical testing. Allele origin: germline. Observed: 67 variant alleles.

Breakthrough Genomics
Classification: Benign. Review status: criteria provided, single submitter. Criteria: ACMG Guidelines, 2015. Collection method: not provided. Allele origin: germline. Inheritance: Autosomal dominant inheritance. Affected: yes.

PreventionGenetics, part of Exact Sciences
Classification: Benign for JAK1-related condition. Last evaluated: 2019-06-27. Review status: no assertion criteria provided. Collection method: clinical testing. Allele origin: germline. Not counted in ClinVar's aggregate classification.
Comment: This variant is classified as benign based on ACMG/AMP sequence variant interpretation guidelines (Richards et al. 2015 PMID: 25741868, with internal and published modifications).